The following is an entry in ClinVar:

NM_020708.5(SLC12A5):c.1066+5G>T

Gene: SLC12A5 (solute carrier family 12 member 5; plus strand). Cytogenetic location: 20q13.12.
Variant type: single nucleotide variant.
Coding change: c.1066+5G>T on transcript NM_020708.5 (MANE Select); 5 bases into the intron after coding-DNA position 1066, G replaced by T.
Molecular consequence: intron variant.
Genome position (GRCh38, 1-based): chr20:46,041,545, G>T. VCF-style: chr20-46041545-G-T. GRCh37 (hg19) VCF-style: chr20-44670184-G-T.
Other names: c.1135+5G>T (NM_001134771.2).
Identifiers: ClinVar variation 1966962 (VCV001966962.2), dbSNP rs776965094, ClinGen allele CA9887210.

ClinVar aggregate classification (germline): Uncertain significance (1 of 4 stars; one submission).

Conditions:
Developmental and epileptic encephalopathy, 34 (DEE34). Also called: SLC12A5-Related Epilepsy of Infancy with Migrating Focal Seizures; Early infantile epileptic encephalopathy 34. Identifiers: Orphanet 293181, MedGen C4225257, MONDO:0014718, OMIM 616645.

Allele frequency attached by ClinVar (database versions not stated): TOPMed below 0.00001; gnomAD 0.00001; gnomAD exomes 0.00001; ExAC 0.00002.
gnomAD v4.1: 4 of 1,613,436 alleles (0.00025%); highest among the groups gnomAD compares: Admixed American, 0.0067%; no homozygotes.

Submission:

Labcorp Genetics (formerly Invitae), Labcorp
Classification: Uncertain significance for Developmental and epileptic encephalopathy, 34. Last evaluated: 2022-08-22. Review status: criteria provided, single submitter. Criteria: Invitae Variant Classification Sherloc (09022015). Collection method: clinical testing. Allele origin: germline.
Comment: This sequence change falls in intron 8 of the SLC12A5 gene. It does not directly change the encoded amino acid sequence of the SLC12A5 protein. It affects a nucleotide within the consensus splice site. This variant is present in population databases (rs776965094, gnomAD 0.009%). This variant has not been reported in the literature in individuals affected with SLC12A5-related conditions. Variants that disrupt the consensus splice site are a relatively common cause of aberrant splicing (PMID: 17576681, 9536098). Algorithms developed to predict the effect of sequence changes on RNA splicing suggest that this variant may create or strengthen a splice site. In summary, the available evidence is currently insufficient to determine the role of this variant in disease. Therefore, it has been classified as a Variant of Uncertain Significance.

Literature cited by the submitters: PubMed 17576681; PubMed 9536098.